The following is an entry in ClinVar:

ClinVar aggregate classification (germline): Conflicting classifications of pathogenicity. Review status: criteria provided, conflicting classifications (1 of 4 stars). 3 submissions from 3 submitters: Uncertain significance (1); Benign (1); Likely benign (1). Last evaluated 2025-04-14.

Conditions:
Familial thoracic aortic aneurysm and aortic dissection (TAAD). Also called: Thoracic aortic aneurysms and dissections. Identifiers: Orphanet 91387, MedGen C4707243, MONDO:0019625.
Ehlers-Danlos syndrome, classic type, 1 (EDSCL1). Also called: EHLERS-DANLOS SYNDROME, GRAVIS TYPE; EHLERS-DANLOS SYNDROME, SEVERE CLASSIC TYPE; Ehlers-Danlos syndrome, type 1; Ehlers-Danlos Syndrome, Classic Type, COL5A1-Related; EDS I. Identifiers: MedGen C0268335, MONDO:0019567, OMIM 130000.

Allele frequency attached by ClinVar (database versions not stated): gnomAD 0.00001.
gnomAD v4.1: 16 of 1,613,586 alleles (0.00099%); highest among the groups gnomAD compares: South Asian, 0.0033%; no homozygotes.

Submissions (3):

Ambry Genetics
Classification: Likely benign for Familial thoracic aortic aneurysm and aortic dissection. Last evaluated: 2025-04-14. Review status: criteria provided, single submitter. Criteria: Ambry Variant Classification Scheme 2023. Collection method: clinical testing. Allele origin: germline.

Labcorp Genetics (formerly Invitae), Labcorp
Classification: Benign for Ehlers-Danlos syndrome, classic type, 1. Last evaluated: 2025-03-31. Review status: criteria provided, single submitter. Criteria: Invitae Variant Classification Sherloc (09022015). Collection method: clinical testing. Allele origin: germline.

GeneDx
Classification: Uncertain significance. Last evaluated: 2023-11-10. Review status: criteria provided, single submitter. Criteria: GeneDx Variant Classification Process June 2021. Collection method: clinical testing. Allele origin: germline. Affected: yes.
Comment: Not observed at significant frequency in large population cohorts (gnomAD); In silico analysis supports that this missense variant does not alter protein structure/function; Has not been previously published as pathogenic or benign to our knowledge; Occurs in the triple helical domain at the Y position in the canonical Gly-X-Y repeat; although this variant may have an effect on normal protein folding and function, missense substitution at the Y position is not a common mechanism of disease (PMID: 22696272); This variant is associated with the following publications: (PMID: 22696272)

NM_000093.5(COL5A1):c.1762G>A (p.Val588Met)

Gene: COL5A1 (collagen type V alpha 1 chain; plus strand). Cytogenetic location: 9q34.3.
Variant type: single nucleotide variant.
Coding change: c.1762G>A on transcript NM_000093.5 (MANE Select); coding-DNA position 1762, G replaced by A.
Protein change: p.Val588Met; replaces valine 588 with methionine.
Molecular consequence: missense variant.
Genome position (GRCh38, 1-based): chr9:134,753,892, G>A. VCF-style: chr9-134753892-G-A. GRCh37 (hg19) VCF-style: chr9-137645738-G-A.
Other names: c.1762G>A (NM_000093.3); c.1762G>A, p.Val588Met (NM_001278074.1); short protein forms V588M.
Identifiers: ClinVar variation 2702337 (VCV002702337.5), dbSNP rs918680618, ClinGen allele CA201090767.
Genomic context (GRCh38, chr9:134,753,892, plus strand): 5'-CACACCATGTCTCCCTAGGGTCCCCCTGGGAGCGGAGGTTTGAAGGGCGAGCCGGGAGAC[G>A]TGGGGCCTCAGGTATGTGGGATCCTTGCCTTCGCTGTCTGGTGGGCGCCTCCCGTTCTCC-3'
Protein context (NP_000084.3, residues 578-598): SGGLKGEPGD[Val588Met]GPQGPRGVQG